The following is an entry in ClinVar:

NM_017950.4(CCDC40):c.1814T>C (p.Met605Thr)

Gene: CCDC40 (coiled-coil domain 40 molecular ruler complex subunit; plus strand). Cytogenetic location: 17q25.3.
Variant type: single nucleotide variant.
Coding change: c.1814T>C on transcript NM_017950.4 (MANE Select); coding-DNA position 1814, T replaced by C.
Protein change: p.Met605Thr; replaces methionine 605 with threonine.
Molecular consequence: missense variant.
Genome position (GRCh38, 1-based): chr17:80,081,883, T>C. VCF-style: chr17-80081883-T-C. GRCh37 (hg19) VCF-style: chr17-78055682-T-C.
Other names: c.1814T>C, p.Met605Thr (NM_001243342.2); short protein forms M605T.
Identifiers: ClinVar variation 1691756 (VCV001691756.2), dbSNP rs767290092, ClinGen allele CA8814033.
Genomic context (GRCh38, chr17:80,081,883, plus strand): 5'-GCGCACGGTGGTGCCTCTTCAGGCACGTGCACCCTGTGGCTCCTTGTCTCCAGGAACAAA[T>C]GATACTCACGGAGGAGTTGCAGGCCATCCGCCAAGCCATCCAGGGCGAGCTGGAGCTCAG-3'
Protein context (NP_060420.2, residues 595-615): DALSQDQLEQ[Met605Thr]ILTEELQAIR

ClinVar aggregate classification (germline): Uncertain significance (1 of 4 stars; one submission).

Allele frequency attached by ClinVar (database versions not stated): gnomAD exomes 0.00001 and 0.00007; TOPMed 0.00001; ExAC 0.00002; gnomAD 0.00002.

Submission:

GeneDx
Classification: Uncertain significance. Last evaluated: 2022-05-18. Review status: criteria provided, single submitter. Criteria: GeneDx Variant Classification Process June 2021. Collection method: clinical testing. Allele origin: germline. Affected: yes.
Comment: Not observed at a significant frequency in large population cohorts (gnomAD); In silico analysis supports that this missense variant does not alter protein structure/function; Has not been previously published as pathogenic or benign to our knowledge